The following is an entry in ClinVar:

NM_005909.5(MAP1B):c.5270G>A (p.Arg1757Lys)

Gene: MAP1B (microtubule associated protein 1B; plus strand). Cytogenetic location: 5q13.2.
Variant type: single nucleotide variant.
Coding change: c.5270G>A on transcript NM_005909.5 (MANE Select); coding-DNA position 5270, G replaced by A.
Protein change: p.Arg1757Lys; replaces arginine 1757 with lysine.
Molecular consequence: missense variant.
Genome position (GRCh38, 1-based): chr5:72,198,625, G>A. VCF-style: chr5-72198625-G-A. GRCh37 (hg19) VCF-style: chr5-71494452-G-A.
Other names: c.4892G>A, p.Arg1631Lys (NM_001324255.2); short protein forms R1631K, R1757K.
Identifiers: ClinVar variation 2655520 (VCV002655520.24), dbSNP rs2478582348, ClinGen allele CA360018393.
Genomic context (GRCh38, chr5:72,198,625, plus strand): 5'-CCCCTTCTCAGATCGCTTCTCCTCTCCAAGAAGATACTCTATCCGATGTTGCTCCTCCCA[G>A]AGATATGTCCTTATATGCCTCACTCACCTCTGAAAAAGTGCAAAGTCTGGAAGGAGAGAA-3'
Protein context (NP_005900.2, residues 1747-1767): EDTLSDVAPP[Arg1757Lys]DMSLYASLTS

ClinVar aggregate classification (germline): Uncertain significance (1 of 4 stars; one submission).

Allele frequency attached by ClinVar (database versions not stated): gnomAD exomes below 0.00001.
gnomAD v4.1: 2 of 1,614,114 alleles (0.00012%); highest among the groups gnomAD compares: Non-Finnish European, 0.00017%; no homozygotes.

Submission:

CeGaT Center for Human Genetics Tuebingen
Classification: Uncertain significance. Last evaluated: 2023-10-01. Review status: criteria provided, single submitter. Criteria: CeGaT Center For Human Genetics Tuebingen Variant Classification Criteria Version 2. Collection method: clinical testing. Allele origin: germline. Affected: yes. Observed: 1 variant allele.
Comment: MAP1B: PM2, BP4